The following is an entry in ClinVar:

NM_000051.4(ATM):c.4932G>C (p.Met1644Ile)

Gene: ATM (ATM serine/threonine kinase; plus strand). Cytogenetic location: 11q22.3.
Variant type: single nucleotide variant.
Coding change: c.4932G>C on transcript NM_000051.4 (MANE Select); coding-DNA position 4932, G replaced by C.
Protein change: p.Met1644Ile; replaces methionine 1644 with isoleucine.
Molecular consequence: missense variant.
Genome position (GRCh38, 1-based): chr11:108,297,309, G>C. VCF-style: chr11-108297309-G-C. GRCh37 (hg19) VCF-style: chr11-108168036-G-C.
Other names: p.M1644I:ATG>ATC; c.4932G>C, p.Met1644Ile (NM_001351834.2); short protein forms M1644I.
Identifiers: ClinVar variation 181963 (VCV000181963.25), dbSNP rs730881371, ClinGen allele CA298263.

ClinVar aggregate classification (germline): Conflicting classifications of pathogenicity. Review status: criteria provided, conflicting classifications (1 of 4 stars). 6 submissions from 6 submitters: Uncertain significance (4); Likely benign (1). 1 of the submissions does not count toward it. Last evaluated 2024-12-09.

Conditions:
Breast and/or ovarian cancer. Identifiers: MedGen CN221562.
Hereditary cancer-predisposing syndrome. Also called: Tumor predisposition; Hereditary Cancer Syndrome; Hereditary neoplastic syndrome; Neoplastic Syndromes, Hereditary. Identifiers: Orphanet 140162, MedGen C0027672, MeSH D009386, MONDO:0015356.
Ataxia-telangiectasia syndrome (AT). Also called: LOUIS-BAR SYNDROME; Cerebello-oculocutaneous telangiectasia; Immunodeficiency with ataxia telangiectasia; ATAXIA-TELANGIECTASIA, COMPLEMENTATION GROUP A; ATAXIA-TELANGIECTASIA, FRESNO VARIANT; Ataxia-telangiectasia. Identifiers: Orphanet 100, MedGen C0004135, MONDO:0008840, OMIM 208900.

Submissions (6):

Labcorp Genetics (formerly Invitae), Labcorp
Classification: Uncertain significance for Ataxia-telangiectasia syndrome. Last evaluated: 2024-12-09. Review status: criteria provided, single submitter. Criteria: Invitae Variant Classification Sherloc (09022015). Collection method: clinical testing. Allele origin: germline.
Comment: This sequence change replaces methionine, which is neutral and non-polar, with isoleucine, which is neutral and non-polar, at codon 1644 of the ATM protein (p.Met1644Ile). This variant is not present in population databases (gnomAD no frequency). This variant has not been reported in the literature in individuals affected with ATM-related conditions. ClinVar contains an entry for this variant (Variation ID: 181963). Invitae Evidence Modeling of protein sequence and biophysical properties (such as structural, functional, and spatial information, amino acid conservation, physicochemical variation, residue mobility, and thermodynamic stability) indicates that this missense variant is not expected to disrupt ATM protein function with a negative predictive value of 95%. In summary, the available evidence is currently insufficient to determine the role of this variant in disease. Therefore, it has been classified as a Variant of Uncertain Significance.

Color Diagnostics, LLC DBA Color Health
Classification: Uncertain significance for Hereditary cancer-predisposing syndrome. Last evaluated: 2024-03-06. Review status: criteria provided, single submitter. Criteria: ACMG Guidelines, 2015. Collection method: clinical testing. Allele origin: germline.
Comment: This missense variant replaces methionine with isoleucine at codon 1644 of the ATM protein. Computational prediction suggests that this variant may not impact protein structure and function (internally defined REVEL score threshold <= 0.5, PMID: 27666373). To our knowledge, functional studies have not been reported for this variant. This variant has not been reported in individuals affected with hereditary cancer in the literature. This variant has not been identified in the general population by the Genome Aggregation Database (gnomAD). The available evidence is insufficient to determine the role of this variant in disease conclusively. Therefore, this variant is classified as a Variant of Uncertain Significance.

Ambry Genetics
Classification: Likely benign for Hereditary cancer-predisposing syndrome. Last evaluated: 2023-12-14. Review status: criteria provided, single submitter. Criteria: Ambry Variant Classification Scheme 2023. Collection method: clinical testing. Allele origin: germline.

GeneDx
Classification: Uncertain significance. Last evaluated: 2022-09-23. Review status: criteria provided, single submitter. Criteria: GeneDx Variant Classification Process June 2021. Collection method: clinical testing. Allele origin: germline. Affected: yes.
Comment: Not observed at significant frequency in large population cohorts (gnomAD); In silico analysis supports that this missense variant does not alter protein structure/function; Has not been previously published as pathogenic or benign to our knowledge; This variant is associated with the following publications: (PMID: 27304073, 28779002)

CHEO Genetics Diagnostic Laboratory, Children's Hospital of Eastern Ontario
Classification: Uncertain significance for Breast and/or ovarian cancer. Last evaluated: 2020-11-03. Review status: criteria provided, single submitter. Criteria: ACMG Guidelines, 2015. Collection method: clinical testing. Allele origin: germline.

Natera, Inc.
Classification: Uncertain significance for Ataxia-telangiectasia. Last evaluated: 2021-04-27. Review status: no assertion criteria provided. Collection method: clinical testing. Allele origin: germline. Not counted in ClinVar's aggregate classification.